The following is an entry in ClinVar:

NM_001283009.2(RTEL1):c.3049G>A (p.Asp1017Asn)

Genes: RTEL1 (regulator of telomere elongation helicase 1; plus strand), RTEL1-TNFRSF6B (RTEL1-TNFRSF6B readthrough (NMD candidate); plus strand). Cytogenetic location: 20q13.33.
Variant type: single nucleotide variant.
Coding change: c.3049G>A on transcript NM_001283009.2 (MANE Select); coding-DNA position 3049, G replaced by A.
Protein change: p.Asp1017Asn; replaces aspartic acid 1017 with asparagine.
Molecular consequence: missense variant. On other transcripts: non-coding transcript variant (1).
Genome position (GRCh38, 1-based): chr20:63,694,428, G>A. VCF-style: chr20-63694428-G-A. GRCh37 (hg19) VCF-style: chr20-62325781-G-A.
Other names: c.2380G>A, p.Asp794Asn (NM_001283010.1); c.3049G>A, p.Asp1017Asn (NM_016434.4); c.3121G>A, p.Asp1041Asn (NM_032957.5); short protein forms D1041N, D1017N, D794N.
Identifiers: ClinVar variation 540961 (VCV000540961.34), dbSNP rs61736617, ClinGen allele CA9965811.
Genomic context (GRCh38, chr20:63,694,428, plus strand): 5'-TCAGGAAGAACGGCGCCGGATCCCAAGCTGACCGTGTCCACGGCTGCAGCCCAGCAGCTG[G>A]ACCCCCAAGAGCACCTGAACCAGGGCAGGCCCCACCTGTCGCCCAGGCCACCCCCAACAG-3'
Protein context (NP_001269938.1, residues 1007-1027): TVSTAAAQQL[Asp1017Asn]PQEHLNQGRP

ClinVar aggregate classification (germline): Benign/Likely benign. Review status: criteria provided, multiple submitters, no conflicts (2 of 4 stars). 7 submissions from 7 submitters: Benign (1); Likely benign (4). 2 of the submissions do not count toward it. Last evaluated 2025-12-27.

Conditions:
Dyskeratosis congenita. Identifiers: Orphanet 1775, MedGen C0265965, MONDO:0015780.
RTEL1-related disorder. Also called: RTEL1-related condition; RTEL1-related disorders.
Pulmonary fibrosis and/or bone marrow failure, Telomere-related, 3. Also called: PULMONARY FIBROSIS AND/OR BONE MARROW FAILURE SYNDROME, TELOMERE-RELATED, 3. Identifiers: Orphanet 2032, MedGen C4225346, MONDO:0014613, OMIM 616373.
Dyskeratosis congenita, autosomal recessive 5 (DKCB5). Identifiers: MedGen C3554656, MONDO:0014076, OMIM 615190.
Inborn genetic diseases. Identifiers: MedGen C0950123, MeSH D030342.

Allele frequency attached by ClinVar (database versions not stated): ExAC 0.00036; 1000 Genomes Project 30x 0.00078; gnomAD 0.00096; 1000 Genomes Project 0.00100; TOPMed 0.00148; ESP Exome Variant Server 0.00154.
gnomAD v4.1: 335 of 1,612,362 alleles (0.021%); highest among the groups gnomAD compares: African/African-American, 0.36%; 1 homozygote.

Submissions (7):

Labcorp Genetics (formerly Invitae), Labcorp
Classification: Likely benign for Dyskeratosis congenita, autosomal recessive 5; Pulmonary fibrosis and/or bone marrow failure, Telomere-related, 3. Last evaluated: 2025-12-27. Review status: criteria provided, single submitter. Criteria: Invitae Variant Classification Sherloc (09022015). Collection method: clinical testing. Allele origin: germline.

Ambry Genetics
Classification: Likely benign for Inborn genetic diseases. Last evaluated: 2024-10-02. Review status: criteria provided, single submitter. Criteria: Ambry Variant Classification Scheme 2023. Collection method: clinical testing. Allele origin: germline.

CeGaT Center for Human Genetics Tuebingen
Classification: Likely benign. Last evaluated: 2024-07-01. Review status: criteria provided, single submitter. Criteria: CeGaT Center For Human Genetics Tuebingen Variant Classification Criteria Version 2. Collection method: clinical testing. Allele origin: germline. Affected: yes. Observed: 1 variant allele.
Comment: RTEL1: BP4

Blueprint Genetics
Classification: Likely benign. Last evaluated: 2022-11-23. Review status: criteria provided, single submitter. Criteria: ACMG Guidelines, 2015. Collection method: clinical testing. Allele origin: germline.

Mendelics
Classification: Benign. Last evaluated: 2022-05-04. Review status: criteria provided, single submitter. Criteria: Mendelics Assertion Criteria 2019. Collection method: clinical testing. Allele origin: germline.

PreventionGenetics, part of Exact Sciences
Classification: Likely benign for RTEL1-related condition. Last evaluated: 2023-01-05. Review status: no assertion criteria provided. Collection method: clinical testing. Allele origin: germline. Not counted in ClinVar's aggregate classification.
Comment: This variant is classified as likely benign based on ACMG/AMP sequence variant interpretation guidelines (Richards et al. 2015 PMID: 25741868, with internal and published modifications).

Natera, Inc.
Classification: Likely benign for Dyskeratosis congenita. Last evaluated: 2020-09-16. Review status: no assertion criteria provided. Collection method: clinical testing. Allele origin: germline. Not counted in ClinVar's aggregate classification.